The following is an entry in ClinVar:

ClinVar aggregate classification (germline): Likely benign. Review status: criteria provided, multiple submitters, no conflicts (2 of 4 stars). 2 submissions from 2 submitters: Likely benign (2). Last evaluated 2025-05-01.

gnomAD v4.1: 104 of 1,611,776 alleles (0.0065%); highest among the groups gnomAD compares: Non-Finnish European, 0.0011%; no homozygotes.

Submissions (2):

CeGaT Center for Human Genetics Tuebingen
Classification: Likely benign. Last evaluated: 2025-05-01. Review status: criteria provided, single submitter. Criteria: CeGaT Center For Human Genetics Tuebingen Variant Classification Criteria Version 2. Collection method: clinical testing. Allele origin: germline. Affected: yes. Observed: 1 variant allele.
Comment: ADAM22: BP4, BP7

Blueprint Genetics
Classification: Likely benign. Last evaluated: 2024-04-19. Review status: criteria provided, single submitter. Criteria: ACMG Guidelines, 2015. Collection method: clinical testing. Allele origin: germline.

NM_001324418.2(ADAM22):c.714C>T (p.Thr238=)

Gene: ADAM22 (ADAM metallopeptidase domain 22; plus strand). Cytogenetic location: 7q21.12.
Variant type: single nucleotide variant.
Coding change: c.714C>T on transcript NM_001324418.2 (MANE Select); coding-DNA position 714, C replaced by T.
Protein change: p.Thr238=; no amino-acid change (threonine 238 retained).
Molecular consequence: synonymous variant. On other transcripts: intron variant (1).
Genome position (GRCh38, 1-based): chr7:88,128,637, C>T. VCF-style: chr7-88128637-C-T. GRCh37 (hg19) VCF-style: chr7-87757952-C-T.
Other names: c.711C>T, p.Thr237= (NM_001324417.2, NM_001324419.2, NM_001391978.1 and 2 more transcripts); c.714C>T, p.Thr238= (NM_001324420.2, NM_001324421.2, NM_001391976.1 and 6 more transcripts); c.765C>T, p.Thr255= (NM_001391975.1, NM_001391980.1); c.730-1751C>T (NM_001391982.1).
Identifiers: ClinVar variation 3905266 (VCV003905266.11).